The following is an entry in ClinVar:

NM_001845.6(COL4A1):c.762C>T (p.Phe254=)

Gene: COL4A1 (collagen type IV alpha 1 chain; minus strand). Cytogenetic location: 13q34.
Variant type: single nucleotide variant.
Coding change: c.762C>T on transcript NM_001845.6 (MANE Select); coding-DNA position 762, C replaced by T.
Protein change: p.Phe254=; no amino-acid change (phenylalanine 254 retained).
Molecular consequence: synonymous variant.
Genome position (GRCh38, 1-based): chr13:110,207,421, G>A on the plus strand (C>T on the coding strand, the complement: COL4A1 is on the minus strand). VCF-style: chr13-110207421-G-A. GRCh37 (hg19) VCF-style: chr13-110859768-G-A.
Other names: c.762C>T, p.Phe254= (NM_001303110.2).
Identifiers: ClinVar variation 745190 (VCV000745190.12), dbSNP rs145029443, ClinGen allele CA7048338.

ClinVar aggregate classification (germline): Likely benign. Review status: criteria provided, multiple submitters, no conflicts (2 of 4 stars). 3 submissions from 3 submitters: Likely benign (3). Last evaluated 2026-06-01.

Allele frequency attached by ClinVar (database versions not stated): gnomAD 0.00004 and 0.00005; TOPMed 0.00006; ESP Exome Variant Server 0.00008.
gnomAD v4.1: 43 of 1,613,894 alleles (0.0027%); highest among the groups gnomAD compares: East Asian, 0.047%; no homozygotes.

Submissions (3):

CeGaT Center for Human Genetics Tuebingen
Classification: Likely benign. Last evaluated: 2026-06-01. Review status: criteria provided, single submitter. Criteria: CeGaT Center For Human Genetics Tuebingen Variant Classification Criteria Version 2. Collection method: clinical testing. Allele origin: germline. Affected: yes. Observed: 1 variant allele.
Comment: COL4A1: BP4, BP7

Labcorp Genetics (formerly Invitae), Labcorp
Classification: Likely benign. Last evaluated: 2025-12-08. Review status: criteria provided, single submitter. Criteria: Invitae Variant Classification Sherloc (09022015). Collection method: clinical testing. Allele origin: germline.

GeneDx
Classification: Likely benign. Last evaluated: 2021-04-22. Review status: criteria provided, single submitter. Criteria: GeneDx Variant Classification Process June 2021. Collection method: clinical testing. Allele origin: germline. Affected: yes.